The following is an entry in ClinVar:

ClinVar aggregate classification (germline): Uncertain significance. Review status: criteria provided, multiple submitters, no conflicts (2 of 4 stars). 2 submissions from 2 submitters: Uncertain significance (2). Last evaluated 2024-02-13.

Conditions:
Hypertrophic cardiomyopathy. Also called: HYPERTROPHIC MYOCARDIOPATHY. Identifiers: Orphanet 217569, MedGen C0007194, MeSH D002312, MONDO:0005045, HP:0001639.
Cardiomyopathy (CMYO). Also called: Cardiomyopathies. Identifiers: Orphanet 167848, MedGen C0878544, MONDO:0004994, HP:0001638. Inheritance: Various modes of inheritance.

Submissions (2):

Labcorp Genetics (formerly Invitae), Labcorp
Classification: Uncertain significance for Hypertrophic cardiomyopathy. Last evaluated: 2024-02-13. Review status: criteria provided, single submitter. Criteria: Invitae Variant Classification Sherloc (09022015). Collection method: clinical testing. Allele origin: germline.
Comment: This sequence change replaces glutamic acid, which is acidic and polar, with aspartic acid, which is acidic and polar, at codon 1582 of the MYH7 protein (p.Glu1582Asp). This variant is not present in population databases (gnomAD no frequency). This variant has not been reported in the literature in individuals affected with MYH7-related conditions. ClinVar contains an entry for this variant (Variation ID: 922812). Advanced modeling of protein sequence and biophysical properties (such as structural, functional, and spatial information, amino acid conservation, physicochemical variation, residue mobility, and thermodynamic stability) performed at Invitae indicates that this missense variant is expected to disrupt MYH7 protein function with a positive predictive value of 95%. In summary, the available evidence is currently insufficient to determine the role of this variant in disease. Therefore, it has been classified as a Variant of Uncertain Significance.

Color Diagnostics, LLC DBA Color Health
Classification: Uncertain significance for Cardiomyopathy. Last evaluated: 2019-03-24. Review status: criteria provided, single submitter. Criteria: ACMG Guidelines, 2015. Collection method: clinical testing. Allele origin: germline.
Comment: Variant of Uncertain Significance due to insufficient evidence: This missense variant replaces glutamic acid with aspartic acid at codon 1582 of the MYH7 protein. Computational prediction tools and conservation analyses are inconclusive regarding the impact of this variant on the protein function. Computational splicing tools suggest that this variant may not impact RNA splicing. To our knowledge, functional assays have not been performed for this variant nor has this variant been reported in individuals affected with cardiovascular disorders in the literature. This variant has not been identified in the general population by the Genome Aggregation Database (gnomAD). Available evidence is insufficient to determine the role of this variant in disease conclusively.

NM_000257.4(MYH7):c.4746G>C (p.Glu1582Asp)

Genes: MHRT (myosin heavy chain associated RNA transcript; plus strand), MYH7 (myosin heavy chain 7; minus strand), LOC126861897 (BRD4-independent group 4 enhancer GRCh37_chr14:23884455-23885654; plus strand). Cytogenetic location: 14q11.2.
Variant type: single nucleotide variant.
Coding change: c.4746G>C on transcript NM_000257.4 (MANE Select); coding-DNA position 4746, G replaced by C.
Protein change: p.Glu1582Asp; replaces glutamic acid 1582 with aspartic acid.
Molecular consequence: missense variant. On other transcripts: non-coding transcript variant (1).
Genome position (GRCh38, 1-based): chr14:23,416,211, C>G on the plus strand (G>C on the coding strand, the complement: MYH7 is on the minus strand). VCF-style: chr14-23416211-C-G. GRCh37 (hg19) VCF-style: chr14-23885420-C-G.
Other names: short protein forms E1582D.
Identifiers: ClinVar variation 922812 (VCV000922812.5), dbSNP rs1892202130, ClinGen allele CA389037723.